The following is an entry in ClinVar:

ClinVar aggregate classification (germline): Uncertain significance (1 of 4 stars; one submission).

Submission:

Labcorp Genetics (formerly Invitae), Labcorp
Classification: Uncertain significance. Last evaluated: 2023-08-04. Review status: criteria provided, single submitter. Criteria: Invitae Variant Classification Sherloc (09022015). Collection method: clinical testing. Allele origin: germline.
Comment: In summary, the available evidence is currently insufficient to determine the role of this variant in disease. Therefore, it has been classified as a Variant of Uncertain Significance. Advanced modeling of protein sequence and biophysical properties (such as structural, functional, and spatial information, amino acid conservation, physicochemical variation, residue mobility, and thermodynamic stability) performed at Invitae indicates that this missense variant is not expected to disrupt DHCR24 protein function. ClinVar contains an entry for this variant (Variation ID: 2094968). This variant has not been reported in the literature in individuals affected with DHCR24-related conditions. This variant is not present in population databases (gnomAD no frequency). This sequence change replaces valine, which is neutral and non-polar, with methionine, which is neutral and non-polar, at codon 389 of the DHCR24 protein (p.Val389Met).

NM_014762.4(DHCR24):c.1165G>A (p.Val389Met)

Gene: DHCR24 (24-dehydrocholesterol reductase; minus strand). Cytogenetic location: 1p32.3.
Variant type: single nucleotide variant.
Coding change: c.1165G>A on transcript NM_014762.4 (MANE Select); coding-DNA position 1165, G replaced by A.
Protein change: p.Val389Met; replaces valine 389 with methionine.
Molecular consequence: missense variant.
Genome position (GRCh38, 1-based): chr1:54,854,090, C>T on the plus strand (G>A on the coding strand, the complement: DHCR24 is on the minus strand). VCF-style: chr1-54854090-C-T. GRCh37 (hg19) VCF-style: chr1-55319763-C-T.
Other names: short protein forms V389M.
Identifiers: ClinVar variation 2094968 (VCV002094968.4), dbSNP rs535386593, ClinGen allele CA22749241.